The following is an entry in ClinVar:

ClinVar aggregate classification (germline): Uncertain significance (1 of 4 stars; one submission).

gnomAD v4.1: 1 of 1,605,732 alleles (0.000062%); highest among the groups gnomAD compares: Non-Finnish European, 0.000085%; no homozygotes.

Submission:

GeneDx
Classification: Uncertain significance. Last evaluated: 2024-10-31. Review status: criteria provided, single submitter. Criteria: GeneDx Variant Classification Process June 2021. Collection method: clinical testing. Allele origin: germline. Affected: yes.
Comment: Not observed at significant frequency in large population cohorts (gnomAD); In silico analysis supports that this missense variant has a deleterious effect on protein structure/function; Has not been previously published as pathogenic or benign to our knowledge

NM_015021.3(ZNF292):c.7832A>G (p.Asp2611Gly)

Gene: ZNF292 (zinc finger protein 292; plus strand). Cytogenetic location: 6q14.3.
Variant type: single nucleotide variant.
Coding change: c.7832A>G on transcript NM_015021.3 (MANE Select); coding-DNA position 7832, A replaced by G.
Protein change: p.Asp2611Gly; replaces aspartic acid 2611 with glycine.
Molecular consequence: missense variant.
Genome position (GRCh38, 1-based): chr6:87,261,461, A>G. VCF-style: chr6-87261461-A-G. GRCh37 (hg19) VCF-style: chr6-87971179-A-G.
Other names: c.7412A>G, p.Asp2471Gly (NM_001351444.2); short protein forms D2471G, D2611G.
Identifiers: ClinVar variation 3897320 (VCV003897320.1).